The following is an entry in ClinVar:

ClinVar aggregate classification (germline): Uncertain significance (1 of 4 stars; one submission).

Conditions:
Glycine encephalopathy. Also called: Nonketotic hyperglycinemia; Non-ketotic hyperglycinemia. Identifiers: Orphanet 407, MedGen C0751748, MONDO:0011612, HP:0008288.

Allele frequency attached by ClinVar (database versions not stated): ExAC 0.00001; gnomAD 0.00001; gnomAD exomes 0.00001.
gnomAD v4.1: 20 of 1,608,918 alleles (0.0012%); highest among the groups gnomAD compares: South Asian, 0.021%; 2 homozygotes.

Submission:

Labcorp Genetics (formerly Invitae), Labcorp
Classification: Uncertain significance for Glycine encephalopathy. Last evaluated: 2021-08-24. Review status: criteria provided, single submitter. Criteria: Invitae Variant Classification Sherloc (09022015). Collection method: clinical testing. Allele origin: germline.
Comment: This sequence change replaces leucine with valine at codon 481 of the GLDC protein (p.Leu481Val). The leucine residue is moderately conserved and there is a small physicochemical difference between leucine and valine. This variant is present in population databases (rs764170083, ExAC 0.006%). This variant has not been reported in the literature in individuals affected with GLDC-related conditions. Advanced modeling of protein sequence and biophysical properties (such as structural, functional, and spatial information, amino acid conservation, physicochemical variation, residue mobility, and thermodynamic stability) performed at Invitae indicates that this missense variant is not expected to disrupt GLDC protein function. In summary, the available evidence is currently insufficient to determine the role of this variant in disease. Therefore, it has been classified as a Variant of Uncertain Significance.

NM_000170.3(GLDC):c.1441C>G (p.Leu481Val)

Gene: GLDC (glycine decarboxylase; minus strand). Cytogenetic location: 9p24.1.
Variant type: single nucleotide variant.
Coding change: c.1441C>G on transcript NM_000170.3 (MANE Select); coding-DNA position 1441, C replaced by G.
Protein change: p.Leu481Val; replaces leucine 481 with valine.
Molecular consequence: missense variant.
Genome position (GRCh38, 1-based): chr9:6,592,184, G>C on the plus strand (C>G on the coding strand, the complement: GLDC is on the minus strand). VCF-style: chr9-6592184-G-C. GRCh37 (hg19) VCF-style: chr9-6592184-G-C.
Other names: short protein forms L481V.
Identifiers: ClinVar variation 1379873 (VCV001379873.5), dbSNP rs764170083, ClinGen allele CA4980709.
Genomic context (GRCh38, chr9:6,592,184, plus strand): 5'-ATGTTTTTATTTTACTTACTGCAGATGACTCACAACCAAAGATCCACAACAAATCGTCCA[G>C]ATCTTTTTCATTGACTGTTTCATCAAGAGAAATACCAAGCTACAGAAACACAAACAAAAT-3'
Protein context (NP_000161.2, residues 471-491): SLDETVNEKD[Leu481Val]DDLLWIFGCE